The following is an entry in ClinVar:

ClinVar aggregate classification (germline): Uncertain significance (1 of 4 stars; one submission).

Submission:

Labcorp Genetics (formerly Invitae), Labcorp
Classification: Uncertain significance. Last evaluated: 2025-03-31. Review status: criteria provided, single submitter. Criteria: Invitae Variant Classification Sherloc (09022015). Collection method: clinical testing. Allele origin: germline.
Comment: This sequence change replaces valine, which is neutral and non-polar, with glycine, which is neutral and non-polar, at codon 632 of the SNRNP200 protein (p.Val632Gly). Information on the frequency of this variant in the gnomAD database is not available, as this variant may be reported differently in the database. This variant has not been reported in the literature in individuals affected with SNRNP200-related conditions. ClinVar contains an entry for this variant (Variation ID: 1000959). An algorithm developed to predict the effect of missense changes on protein structure and function (PolyPhen-2) suggests that this variant is likely to be disruptive. In summary, the available evidence is currently insufficient to determine the role of this variant in disease. Therefore, it has been classified as a Variant of Uncertain Significance.

NM_014014.5(SNRNP200):c.1895_1896delinsGC (p.Val632Gly)

Gene: SNRNP200 (small nuclear ribonucleoprotein U5 subunit 200; minus strand). Cytogenetic location: 2q11.2.
Variant type: Indel.
Coding change: c.1895_1896delinsGC on transcript NM_014014.5 (MANE Select); coding-DNA positions 1895 to 1896, TG replaced by GC.
Protein change: p.Val632Gly; replaces valine 632 with glycine.
Molecular consequence: missense variant.
Genome position (GRCh38, 1-based): chr2:96,293,456-96,293,457, CA replaced by GC on the plus strand (TG replaced by GC on the coding strand, the reverse complement: SNRNP200 is on the minus strand). VCF-style: chr2-96293456-CA-GC. GRCh37 (hg19) VCF-style: chr2-96959194-CA-GC.
Other names: short protein forms V632G.
Identifiers: ClinVar variation 1000959 (VCV001000959.8), dbSNP rs2063896002, ClinGen allele CA1272543630.